The following is an entry in ClinVar:

ClinVar aggregate classification (germline): Pathogenic (1 of 4 stars; one submission).

Allele frequency attached by ClinVar (database versions not stated): gnomAD exomes below 0.00001; TOPMed below 0.00001; ExAC 0.00001; ESP Exome Variant Server 0.00009.

Submission:

Labcorp Genetics (formerly Invitae), Labcorp
Classification: Pathogenic. Last evaluated: 2024-01-19. Review status: criteria provided, single submitter. Criteria: Invitae Variant Classification Sherloc (09022015). Collection method: clinical testing. Allele origin: germline.
Comment: This sequence change creates a premature translational stop signal (p.Cys115Leufs*32) in the CEP78 gene. It is expected to result in an absent or disrupted protein product. Loss-of-function variants in CEP78 are known to be pathogenic (PMID: 27588451, 27588452, 27627988). This variant is present in population databases (rs749817667, gnomAD 0.001%). This variant has not been reported in the literature in individuals affected with CEP78-related conditions. ClinVar contains an entry for this variant (Variation ID: 1456588). For these reasons, this variant has been classified as Pathogenic.

Literature cited by the submitters: PubMed 27588451; PubMed 27588452; PubMed 27627988.

NM_001330691.3(CEP78):c.341_342insT (p.Cys115fs)

Gene: CEP78 (centrosomal protein 78; plus strand). Cytogenetic location: 9q21.2.
Variant type: Insertion.
Coding change: c.341_342insT on transcript NM_001330691.3 (MANE Select); coding-DNA positions 341 to 342, T inserted.
Protein change: p.Cys115fs; shifts the reading frame from cysteine 115.
Molecular consequence: frameshift variant.
Genome position: GRCh38 VCF-style: chr9-78240110-G-GT. GRCh37 (hg19) VCF-style: chr9-80855026-G-GT.
Other names: c.341_342insT, p.Cys115fs (NM_001098802.3, NM_001330693.3, NM_001330694.2 and 4 more transcripts); short protein forms C115fs.
Identifiers: ClinVar variation 1456588 (VCV001456588.6), dbSNP rs749817667, ClinGen allele CA5094885.
Genomic context (GRCh38, chr9:78,240,110, plus strand): 5'-GTCGTGTTCCTGCGATAAGATACAAAGATGTGACCTTCCAGTTGTGTAAAGCTCTTAAAG[G>GT]CTGTTTAAGTATATCAAGTGTGCTAAAGAACCTGGAGCTAAATGGACTAATTCTGAGAGA-3'